The following is an entry in ClinVar:

NM_000322.5(PRPH2):c.586A>T (p.Ile196Phe)

Gene: PRPH2 (peripherin 2; minus strand). Cytogenetic location: 6p21.1.
Variant type: single nucleotide variant.
Coding change: c.586A>T on transcript NM_000322.5 (MANE Select); coding-DNA position 586, A replaced by T.
Protein change: p.Ile196Phe; replaces isoleucine 196 with phenylalanine.
Molecular consequence: missense variant.
Genome position (GRCh38, 1-based): chr6:42,704,607, T>A on the plus strand (A>T on the coding strand, the complement: PRPH2 is on the minus strand). VCF-style: chr6-42704607-T-A. GRCh37 (hg19) VCF-style: chr6-42672345-T-A.
Other names: short protein forms I196F.
Identifiers: ClinVar variation 1175291 (VCV001175291.1), dbSNP rs2152005413, ClinGen allele CA364135867.
Genomic context (GRCh38, chr6:42,704,607, plus strand): 5'-GATTGCAGCAGCTGAAAGGGACGCCGTCCACCAGGTACCGCCCATCCACGTTGCTCTTGA[T>A]TCGACTTAAAGGGAAACAGACAGCTGGAGATGGGCTTCCCGGGCTTCTCAACAGGGGCCA-3'
Protein context (NP_000313.2, residues 186-206): DFSSKEVKDR[Ile196Phe]KSNVDGRYLV

ClinVar aggregate classification (germline): Uncertain significance (0 of 4 stars; one submission).

Submission:

Leiden Open Variation Database
Classification: Uncertain significance. Last evaluated: 2021-06-20. Review status: no assertion criteria provided. Collection method: curation. Allele origin: germline. Affected: yes.
Comment: Curator: Global Variome, with Curator vacancy. Submitters to LOVD: LOVD, Manon Peeters.

Literature cited by the submitters: PubMed 31087526.